The following is an entry in ClinVar:

ClinVar aggregate classification (germline): Likely pathogenic (1 of 4 stars; one submission).

Conditions:
Curry-Hall syndrome (WAD). Also called: WEYERS ACRODENTAL DYSOSTOSIS. Identifiers: Orphanet 952, MedGen C0457013, MONDO:0008673, OMIM 193530.
Ellis-van Creveld syndrome (EVC). Also called: MESOECTODERMAL DYSPLASIA; EVC-Related Ellis-van Creveld Syndrome; EVC2-Related Ellis-van Creveld Syndrome; Chondroectodermal dysplasia. Identifiers: Orphanet 289, MedGen C0013903, MONDO:0009162, OMIM 225500.

Submission:

Labcorp Genetics (formerly Invitae), Labcorp
Classification: Likely pathogenic for Curry-Hall syndrome; Ellis-van Creveld syndrome. Last evaluated: 2022-06-13. Review status: criteria provided, single submitter. Criteria: Invitae Variant Classification Sherloc (09022015). Collection method: clinical testing. Allele origin: germline.
Comment: This variant is not present in population databases (gnomAD no frequency). This sequence change affects an acceptor splice site in intron 14 of the EVC gene. It is expected to disrupt RNA splicing. Variants that disrupt the donor or acceptor splice site typically lead to a loss of protein function (PMID: 16199547), and loss-of-function variants in EVC are known to be pathogenic (PMID: 23220543). This variant has not been reported in the literature in individuals affected with EVC-related conditions. In summary, the currently available evidence indicates that the variant is pathogenic, but additional data are needed to prove that conclusively. Therefore, this variant has been classified as Likely Pathogenic. Algorithms developed to predict the effect of sequence changes on RNA splicing suggest that this variant may disrupt the consensus splice site. ClinVar contains an entry for this variant (Variation ID: 951645).

Literature cited by the submitters: PubMed 16199547; PubMed 23220543.

NM_153717.3(EVC):c.2098-2A>G

Gene: EVC (EvC ciliary complex subunit 1; plus strand). Cytogenetic location: 4p16.2.
Variant type: single nucleotide variant.
Coding change: c.2098-2A>G on transcript NM_153717.3 (MANE Select); the canonical splice acceptor site of the intron before coding-DNA position 2098, A replaced by G.
Molecular consequence: splice acceptor variant.
Genome position (GRCh38, 1-based): chr4:5,798,584, A>G. VCF-style: chr4-5798584-A-G. GRCh37 (hg19) VCF-style: chr4-5800311-A-G.
Other names: c.2098-2A>G (NM_001306090.2).
Identifiers: ClinVar variation 951645 (VCV000951645.9), dbSNP rs1714398710, ClinGen allele CA356144733.
Genomic context (GRCh38, chr4:5,798,584, plus strand): 5'-CTGGCCAGAGCTTCTCTGTGAGAGGAGCACTTGGCCCCTGCTCCCAGTCCTTTCCCTCCC[A>G]GGAGGCGCGTGTGCTGGAGGAGGCCAGCCGGCTAGAGGAGGAAGCACAGCAGACACGGCT-3'